The following is an entry in ClinVar:

NM_000256.3(MYBPC3):c.12G>A (p.Pro4=)

Gene: MYBPC3 (myosin binding protein C3; minus strand). Cytogenetic location: 11p11.2.
Variant type: single nucleotide variant.
Coding change: c.12G>A on transcript NM_000256.3 (MANE Select); coding-DNA position 12, G replaced by A.
Protein change: p.Pro4=; no amino-acid change (proline 4 retained).
Molecular consequence: synonymous variant.
Genome position (GRCh38, 1-based): chr11:47,352,636, C>T on the plus strand (G>A on the coding strand, the complement: MYBPC3 is on the minus strand). VCF-style: chr11-47352636-C-T. GRCh37 (hg19) VCF-style: chr11-47374187-C-T.
Identifiers: ClinVar variation 42521 (VCV000042521.69), dbSNP rs377292092, ClinGen allele CA010051.
Genomic context (GRCh38, chr11:47,352,636, plus strand): 5'-CACCCCCCTGCTCCCACACTTAGACCCAACCCCAGTCCTAAAGCTACCTGGCTTCTTCCC[C>T]GGCTCAGGCATCCTGAGAGACGTCACACCAGGCACGAAGCAGGCACAGGTCACCCAAAGA-3'
Protein context (NP_000247.2, residues 1-14): MPE[Pro4=]GKKPVSAFSK

ClinVar aggregate classification (germline): Benign/Likely benign. Review status: criteria provided, multiple submitters, no conflicts (2 of 4 stars). 13 submissions from 13 submitters: Benign (2); Likely benign (8). 3 of the submissions do not count toward it. Last evaluated 2026-01-31.

Conditions:
Cardiovascular phenotype. Identifiers: MedGen CN230736.
MYBPC3-related disorder. Also called: MYBPC3-related disorders; MYBPC3-related condition; MYBPC3-related disease.
Cardiomyopathy (CMYO). Also called: Cardiomyopathies. Identifiers: Orphanet 167848, MedGen C0878544, MONDO:0004994, HP:0001638. Inheritance: Various modes of inheritance.
Hypertrophic cardiomyopathy 4. Also called: Familial hypertrophic cardiomyopathy 4. Identifiers: MedGen C1861862, MONDO:0007268, OMIM 115197.
Hypertrophic cardiomyopathy. Also called: HYPERTROPHIC MYOCARDIOPATHY. Identifiers: Orphanet 217569, MedGen C0007194, MeSH D002312, MONDO:0005045, HP:0001639.

Allele frequency attached by ClinVar (database versions not stated): ExAC 0.00009; gnomAD exomes 0.00009 and 0.00014; TOPMed 0.00009; gnomAD 0.00012; ESP Exome Variant Server 0.00024.

Submissions (13):

Labcorp Genetics (formerly Invitae), Labcorp
Classification: Likely benign for Hypertrophic cardiomyopathy. Last evaluated: 2026-01-31. Review status: criteria provided, single submitter. Criteria: Invitae Variant Classification Sherloc (09022015). Collection method: clinical testing. Allele origin: germline.

Blueprint Genetics
Classification: Likely benign. Last evaluated: 2024-04-29. Review status: criteria provided, single submitter. Criteria: ACMG Guidelines, 2015. Collection method: clinical testing. Allele origin: germline.

All of Us Research Program, National Institutes of Health
Classification: Likely benign for Hypertrophic cardiomyopathy. Last evaluated: 2024-01-11. Review status: criteria provided, single submitter. Criteria: ACMG Guidelines, 2015. Collection method: clinical testing. Allele origin: germline. Inheritance: Autosomal dominant inheritance. Observed: 34 variant alleles, 34 heterozygotes.
Comment: This study involves interpretation of variants in research participants for the purpose of population health screening. Participant phenotype was not available at the time of variant classification. Additional details can be found in publication PMID: 35346344, PMCID: PMC8962531

CHEO Genetics Diagnostic Laboratory, Children's Hospital of Eastern Ontario
Classification: Likely benign for Cardiomyopathy. Last evaluated: 2023-02-24. Review status: criteria provided, single submitter. Criteria: ACMG Guidelines, 2015. Collection method: clinical testing. Allele origin: germline.

CeGaT Center for Human Genetics Tuebingen
Classification: Likely benign. Last evaluated: 2020-09-01. Review status: criteria provided, single submitter. Criteria: CeGaT Center For Human Genetics Tuebingen Variant Classification Criteria Version 2. Collection method: clinical testing. Allele origin: germline. Affected: yes. Observed: 1 variant allele.

Ambry Genetics
Classification: Likely benign for Cardiovascular phenotype. Last evaluated: 2020-03-05. Review status: criteria provided, single submitter. Criteria: Ambry Variant Classification Scheme 2023. Collection method: clinical testing. Allele origin: germline.

Color Diagnostics, LLC DBA Color Health
Classification: Likely benign for Cardiomyopathy. Last evaluated: 2019-02-09. Review status: criteria provided, single submitter. Criteria: ACMG Guidelines, 2015. Collection method: clinical testing. Allele origin: germline.

GeneDx
Classification: Benign. Last evaluated: 2017-05-25. Review status: criteria provided, single submitter. Criteria: GeneDx Variant Classification (06012015). Collection method: clinical testing. Allele origin: germline. Affected: yes.
Comment: This variant is considered likely benign or benign based on one or more of the following criteria: it is a conservative change, it occurs at a poorly conserved position in the protein, it is predicted to be benign by multiple in silico algorithms, and/or has population frequency not consistent with disease.

Clinical Genetics DNA and cytogenetics Diagnostics Lab, Erasmus MC, Erasmus Medical Center
Classification: Benign for Hypertrophic cardiomyopathy 4. Last evaluated: 2015-09-21. Review status: criteria provided, single submitter. Criteria: ACGS Guidelines, 2013. Collection method: clinical testing. Allele origin: germline. Affected: yes. Study: VKGL Data-share Consensus.

Laboratory for Molecular Medicine, Mass General Brigham Personalized Medicine
Classification: Likely benign. Last evaluated: 2011-05-25. Review status: criteria provided, single submitter. Criteria: LMM Criteria. Collection method: clinical testing. Allele origin: germline. Observed: 5 variant alleles.
Comment: Pro4Pro in exon 1 of MYBPC3: This variant is not expected to have clinical sign ificance because it does not alter an amino acid residue and is not located with in the splice consensus sequence.

PreventionGenetics, part of Exact Sciences
Classification: Likely benign for MYBPC3-related condition. Last evaluated: 2020-09-14. Review status: no assertion criteria provided. Collection method: clinical testing. Allele origin: germline. Not counted in ClinVar's aggregate classification.
Comment: This variant is classified as likely benign based on ACMG/AMP sequence variant interpretation guidelines (Richards et al. 2015 PMID: 25741868, with internal and published modifications).

Clinical Genetics, Academic Medical Center
Classification: Benign. Review status: no assertion criteria provided. Collection method: clinical testing. Allele origin: germline. Affected: yes. Study: VKGL Data-share Consensus. Not counted in ClinVar's aggregate classification.

Joint Genome Diagnostic Labs from Nijmegen and Maastricht, Radboudumc and MUMC+
Classification: Likely benign. Review status: no assertion criteria provided. Collection method: clinical testing. Allele origin: germline. Affected: yes. Study: VKGL Data-share Consensus. Not counted in ClinVar's aggregate classification.